The following is an entry in ClinVar:

NM_001206927.2(DNAH8):c.8381G>A (p.Gly2794Asp)

Gene: DNAH8 (dynein axonemal heavy chain 8; plus strand). Cytogenetic location: 6p21.2.
Variant type: single nucleotide variant.
Coding change: c.8381G>A on transcript NM_001206927.2 (MANE Select); coding-DNA position 8381, G replaced by A.
Protein change: p.Gly2794Asp; replaces glycine 2794 with aspartic acid.
Molecular consequence: missense variant.
Genome position (GRCh38, 1-based): chr6:38,886,912, G>A. VCF-style: chr6-38886912-G-A. GRCh37 (hg19) VCF-style: chr6-38854688-G-A.
Other names: c.7730G>A, p.Gly2577Asp (NM_001371.4); short protein forms G2794D, G2577D.
Identifiers: ClinVar variation 1370128 (VCV001370128.6), dbSNP rs1274347654, ClinGen allele CA363993607.

ClinVar aggregate classification (germline): Uncertain significance (1 of 4 stars; one submission).

Conditions:
Primary ciliary dyskinesia. Also called: Ciliary dyskinesia. Identifiers: Orphanet 244, MedGen C0008780, MONDO:0016575, HP:0012265.

Allele frequency attached by ClinVar (database versions not stated): gnomAD 0.00001; gnomAD exomes 0.00001; TOPMed 0.00001.
gnomAD v4.1: 5 of 1,613,958 alleles (0.00031%); highest among the groups gnomAD compares: Admixed American, 0.0083%; no homozygotes.

Submission:

Labcorp Genetics (formerly Invitae), Labcorp
Classification: Uncertain significance for Primary ciliary dyskinesia. Last evaluated: 2024-03-25. Review status: criteria provided, single submitter. Criteria: Invitae Variant Classification Sherloc (09022015). Collection method: clinical testing. Allele origin: germline.
Comment: This sequence change replaces glycine, which is neutral and non-polar, with aspartic acid, which is acidic and polar, at codon 2794 of the DNAH8 protein (p.Gly2794Asp). This variant is present in population databases (no rsID available, gnomAD 0.006%). This missense change has been observed in individual(s) with clinical features of primary ciliary dyskinesia (Invitae). ClinVar contains an entry for this variant (Variation ID: 1370128). Advanced modeling of protein sequence and biophysical properties (such as structural, functional, and spatial information, amino acid conservation, physicochemical variation, residue mobility, and thermodynamic stability) performed at Invitae indicates that this missense variant is expected to disrupt DNAH8 protein function with a positive predictive value of 80%. In summary, the available evidence is currently insufficient to determine the role of this variant in disease. Therefore, it has been classified as a Variant of Uncertain Significance.